The following is an entry in ClinVar:

NM_000202.8(IDS):c.1585C>T (p.Pro529Ser)

Gene: IDS (iduronate 2-sulfatase; minus strand). Cytogenetic location: Xq28.
Variant type: single nucleotide variant.
Coding change: c.1585C>T on transcript NM_000202.8 (MANE Select); coding-DNA position 1585, C replaced by T.
Protein change: p.Pro529Ser; replaces proline 529 with serine.
Molecular consequence: missense variant.
Genome position (GRCh38, 1-based): chrX:149,482,814, G>A on the plus strand (C>T on the coding strand, the complement: IDS is on the minus strand). VCF-style: chrX-149482814-G-A. GRCh37 (hg19) VCF-style: chrX-148564345-G-A.
Other names: c.1315C>T, p.Pro439Ser (NM_001166550.4); short protein forms P439S, P529S.
Identifiers: ClinVar variation 3256090 (VCV003256090.3).

ClinVar aggregate classification (germline): Conflicting classifications of pathogenicity. Review status: criteria provided, conflicting classifications (1 of 4 stars). 2 submissions from 2 submitters: Likely pathogenic (1); Uncertain significance (1). Last evaluated 2026-05-14.

Conditions:
Mucopolysaccharidosis, MPS-II (MPS2). Also called: Mucopolysaccharidosis Type II; Attenuated MPS (subtype; formerly known as mild MPS II); Severe MPS II; I2S deficiency; MPS 2; Hunter Syndrome. Identifiers: Orphanet 580, Orphanet 79388, MedGen C0026705, MONDO:0010674, OMIM 309900.

Submissions (2):

Women's Health and Genetics/Laboratory Corporation of America, LabCorp
Classification: Uncertain significance. Last evaluated: 2026-05-14. Review status: criteria provided, single submitter. Criteria: LabCorp Variant Classification Summary - May 2015. Collection method: clinical testing. Allele origin: germline.
Comment: Variant summary: IDS c.1585C>T (p.Pro529Ser) results in a non-conservative amino acid change in the encoded protein sequence. Algorithms developed to predict the effect of missense changes on protein structure and function all suggest that this variant is likely to be disruptive. The variant was absent in 183256 control chromosomes. The available data on variant occurrences in the general population are insufficient to allow any conclusion about variant significance. c.1585C>T has been observed in at least one male affected with Mucopolysaccharidosis Type II (Hunter Syndrome) (example: Zhong_2023). These data do not allow any conclusion about variant significance. To our knowledge, no experimental evidence demonstrating an impact on protein function has been reported. The following publication has been ascertained in the context of this evaluation (PMID: 36945845). ClinVar contains an entry for this variant (Variation ID: 3256090). Based on the evidence outlined above, the variant was classified as uncertain significance.

Laboratory of Diagnosis and Therapy of Lysosomal Disorders, University of Padova
Classification: Likely pathogenic for Mucopolysaccharidosis, MPS-II. Last evaluated: 2024-06-07. Review status: criteria provided, single submitter. Criteria: ACMG Guidelines, 2015. Collection method: literature only. Allele origin: germline. Affected: yes. Observed: 1 variant allele.
Comment: Absent from controls (or at low frequency) in gnomAD database (PM2_Moderate), Missense variant in a gene with a low rate of benign missense variation (PP2_Supporting), Multiple lines of computational evidence support a deleterious effect (PP3_Supporting), Patient’s phenotype or family history highly specific for the disease (PP4_Strong)

Classification method: ACMG Guidelines [PMID:25741868] with modifications

Literature cited by the submitters: PubMed 36945845 (cited by Women's Health and Genetics/Laboratory Corporation of America, LabCorp and Laboratory of Diagnosis and Therapy of Lysosomal Disorders, University of Padova).